The following is an entry in ClinVar:

ClinVar aggregate classification (germline): Conflicting classifications of pathogenicity. Review status: criteria provided, conflicting classifications (1 of 4 stars). 3 submissions from 3 submitters: Uncertain significance (2); Likely benign (1). Last evaluated 2026-02-10.

Conditions:
Alagille syndrome due to a JAG1 point mutation. Also called: JAG1-Related Alagille Syndrome; HEPATIC DUCTULAR HYPOPLASIA, SYNDROMATIC; Alagille Syndrome 1. Identifiers: Orphanet 261619, Orphanet 52, MedGen C1956125, MONDO:0016862, OMIM 118450.
JAG1-related disorder. Also called: JAG1-related condition; JAG1-related disorders.
Cardiovascular phenotype. Identifiers: MedGen CN230736.

Allele frequency attached by ClinVar (database versions not stated): gnomAD 0.00002; gnomAD exomes 0.00002; ExAC 0.00004.
gnomAD v4.1: 11 of 1,613,768 alleles (0.00068%); highest among the groups gnomAD compares: African/African-American, 0.004%; no homozygotes.

Submissions (3):

PreventionGenetics, part of Exact Sciences
Classification: Uncertain significance for JAG1-related condition. Last evaluated: 2026-02-10. Review status: criteria provided, single submitter. Criteria: ACMG Guidelines, 2015. Collection method: clinical testing. Allele origin: germline.
Comment: The JAG1 c.2042C>T variant is predicted to result in the amino acid substitution p.Thr681Met. To our knowledge, this variant has not been reported in the literature. This variant is reported in 0.0080% of alleles in individuals of African descent in gnomAD. At this time, the clinical significance of this variant is uncertain due to the absence of conclusive functional and genetic evidence.

Labcorp Genetics (formerly Invitae), Labcorp
Classification: Likely benign for Alagille syndrome due to a JAG1 point mutation. Last evaluated: 2025-04-16. Review status: criteria provided, single submitter. Criteria: Invitae Variant Classification Sherloc (09022015). Collection method: clinical testing. Allele origin: germline.

Ambry Genetics
Classification: Uncertain significance for Cardiovascular phenotype. Last evaluated: 2022-09-05. Review status: criteria provided, single submitter. Criteria: Ambry Variant Classification Scheme 2023. Collection method: clinical testing. Allele origin: germline.
Comment: The p.T681M variant (also known as c.2042C>T), located in coding exon 16 of the JAG1 gene, results from a C to T substitution at nucleotide position 2042. The threonine at codon 681 is replaced by methionine, an amino acid with similar properties. This amino acid position is conserved. In addition, the in silico prediction for this alteration is inconclusive. Since supporting evidence is limited at this time, the clinical significance of this alteration remains unclear.

NM_000214.3(JAG1):c.2042C>T (p.Thr681Met)

Gene: JAG1 (jagged canonical Notch ligand 1; minus strand). Cytogenetic location: 20p12.2.
Variant type: single nucleotide variant.
Coding change: c.2042C>T on transcript NM_000214.3 (MANE Select); coding-DNA position 2042, C replaced by T.
Protein change: p.Thr681Met; replaces threonine 681 with methionine.
Molecular consequence: missense variant.
Genome position (GRCh38, 1-based): chr20:10,645,427, G>A on the plus strand (C>T on the coding strand, the complement: JAG1 is on the minus strand). VCF-style: chr20-10645427-G-A. GRCh37 (hg19) VCF-style: chr20-10626075-G-A.
Other names: short protein forms T681M.
Identifiers: ClinVar variation 1054353 (VCV001054353.12), dbSNP rs772675011, ClinGen allele CA9764663.